The following is an entry in ClinVar:

NM_032444.4(SLX4):c.5242C>G (p.Gln1748Glu)

Gene: SLX4 (SLX4 structure-specific endonuclease subunit; minus strand). Cytogenetic location: 16p13.3.
Variant type: single nucleotide variant.
Coding change: c.5242C>G on transcript NM_032444.4 (MANE Select); coding-DNA position 5242, C replaced by G.
Protein change: p.Gln1748Glu; replaces glutamine 1748 with glutamic acid.
Molecular consequence: missense variant.
Genome position (GRCh38, 1-based): chr16:3,582,605, G>C on the plus strand (C>G on the coding strand, the complement: SLX4 is on the minus strand). VCF-style: chr16-3582605-G-C. GRCh37 (hg19) VCF-style: chr16-3632606-G-C.
Other names: short protein forms Q1748E.
Identifiers: ClinVar variation 3580444 (VCV003580444.3).

ClinVar aggregate classification (germline): Uncertain significance. Review status: criteria provided, multiple submitters, no conflicts (2 of 4 stars). 2 submissions from 2 submitters: Uncertain significance (2). Last evaluated 2025-01-24.

Conditions:
Fanconi anemia complementation group P. Also called: SLX4-Related Fanconi Anemia. Identifiers: Orphanet 84, MedGen C3469542, MONDO:0013499, OMIM 613951.

gnomAD v4.1: 8 of 1,613,610 alleles (0.0005%); highest among the groups gnomAD compares: Admixed American, 0.0017%; no homozygotes.

Submissions (2):

Dasa
Classification: Uncertain significance. Last evaluated: 2025-01-24. Review status: criteria provided, single submitter. Criteria: DASA Assertion Criteria. Collection method: clinical testing. Allele origin: germline.
Comment: NM_032444.4(SLX4):c.5242C>G (p.Gln1748Glu) is a missense variant that results in the substitution of glutamine with glutamic acid. This variant is rare in population databases. Computational prediction algorithms are consistent with a benign effect. The currently available literature and clinical evidence are not sufficient to establish a definitive association between this variant and the reported condition. Therefore, this variant is classified as a variant of uncertain significance.

Fulgent Genetics
Classification: Uncertain significance for Fanconi anemia complementation group P. Last evaluated: 2024-03-24. Review status: criteria provided, single submitter. Criteria: ACMG Guidelines, 2015. Collection method: clinical testing. Allele origin: germline.